The following is an entry in ClinVar:

NM_021956.5(GRIK2):c.890C>G (p.Ser297Trp)

Gene: GRIK2 (glutamate ionotropic receptor kainate type subunit 2; plus strand). Cytogenetic location: 6q16.3.
Variant type: single nucleotide variant.
Coding change: c.890C>G on transcript NM_021956.5 (MANE Select); coding-DNA position 890, C replaced by G.
Protein change: p.Ser297Trp; replaces serine 297 with tryptophan.
Molecular consequence: missense variant.
Genome position (GRCh38, 1-based): chr6:101,686,292, C>G. VCF-style: chr6-101686292-C-G. GRCh37 (hg19) VCF-style: chr6-102134167-C-G.
Other names: NC_000006.11:g.102134167C>G; c.890C>G, p.Ser297Trp (NM_001166247.1, NM_175768.3); short protein forms S297W.
Identifiers: ClinVar variation 435364 (VCV000435364.15), dbSNP rs61996330, ClinGen allele CA3939428.

ClinVar aggregate classification (germline): Conflicting classifications of pathogenicity. Review status: criteria provided, conflicting classifications (1 of 4 stars). 5 submissions from 5 submitters: Uncertain significance (2); Likely benign (1). 2 of the submissions do not count toward it. Last evaluated 2026-03-01.

Conditions:
Intellectual disability. Also called: intellectual disabilities; Intellectual functioning disability; Intellectual developmental disorder. Identifiers: MedGen C3714756, MeSH D008607, MONDO:0001071, HP:0001249.
GRIK2-related disorder. Also called: GRIK2-related condition.

Allele frequency attached by ClinVar (database versions not stated): 1000 Genomes Project 30x 0.00031; 1000 Genomes Project 0.00040; ESP Exome Variant Server 0.00069; gnomAD 0.00070; ExAC 0.00073; TOPMed 0.00104.
gnomAD v4.1: 2,280 of 1,612,996 alleles (0.14%); highest among the groups gnomAD compares: Non-Finnish European, 0.18%; 2 homozygotes.

Submissions (8):

CeGaT Center for Human Genetics Tuebingen
Classification: Likely benign. Last evaluated: 2026-03-01. Review status: criteria provided, single submitter. Criteria: CeGaT Center For Human Genetics Tuebingen Variant Classification Criteria Version 2. Collection method: clinical testing. Allele origin: germline. Affected: yes. Observed: 3 variant alleles.
Comment: GRIK2: PP3, BS1

Blueprint Genetics
Classification: Uncertain significance. Last evaluated: 2024-10-24. Review status: criteria provided, single submitter. Criteria: ACMG Guidelines, 2015. Collection method: clinical testing. Allele origin: germline.

Genetic Services Laboratory, University of Chicago
Classification: Uncertain significance. Last evaluated: 2016-11-24. Review status: criteria provided, single submitter. Criteria: ACMG Guidelines, 2015. Collection method: clinical testing. Allele origin: germline. Affected: no.

PreventionGenetics, part of Exact Sciences
Classification: Likely benign for GRIK2-related condition. Last evaluated: 2022-06-21. Review status: no assertion criteria provided. Collection method: clinical testing. Allele origin: germline. Not counted in ClinVar's aggregate classification.
Comment: This variant is classified as likely benign based on ACMG/AMP sequence variant interpretation guidelines (Richards et al. 2015 PMID: 25741868, with internal and published modifications).

Centre de Biologie Pathologie Génétique, Centre Hospitalier Universitaire de Lille
Classification: Likely benign for Intellectual disability. Last evaluated: 2019-01-01. Review status: no assertion criteria provided. Collection method: clinical testing. Allele origin: inherited. Affected: yes. Not counted in ClinVar's aggregate classification.

Dr. Peter K. Rogan Lab, Western University
No classification provided (evidence only). Condition: Malignant lymphoma, large B-cell, diffuse. Review status: no classification provided. Collection method: in vitro. Allele origin: not applicable. Functional consequence: retained intron. Not counted in ClinVar's aggregate classification.

Dr. Peter K. Rogan Lab, Western University
No classification provided (evidence only). Condition: Gastric cancer. Review status: no classification provided. Collection method: in vitro. Allele origin: not applicable. Functional consequence: retained intron. Not counted in ClinVar's aggregate classification.

Dr. Peter K. Rogan Lab, Western University
No classification provided (evidence only). Condition: Uterine carcinosarcoma. Review status: no classification provided. Collection method: in vitro. Allele origin: not applicable. Functional consequence: retained intron. Not counted in ClinVar's aggregate classification.